The following is an entry in ClinVar:

NM_005762.3(TRIM28):c.129_134dup (p.Ala46_Ala47insSerAla)

Genes: TRIM28 (tripartite motif containing 28; plus strand), LOC130065239 (ATAC-STARR-seq lymphoblastoid silent region 11093; plus strand). Cytogenetic location: 19q13.43.
Variant type: Duplication.
Coding change: c.129_134dup on transcript NM_005762.3 (MANE Select); coding-DNA positions 129 to 134, 6 bases duplicated (TGCCTC; older notation c.129_134dupTGCCTC).
Protein change: p.Ala46_Ala47insSerAla.
Genome position (GRCh38, 1-based): chr19:58,544,886-58,544,891, TGCCTC duplicated; duplicating any 6 consecutive bases within chr19:58,544,881-58,544,891 gives the same sequence; the c. name uses the placement nearest the transcript's 3' end. VCF-style (leftmost placement, unchanged base first): chr19-58544880-G-GGCCTCT. GRCh37 (hg19) VCF-style: chr19-59056247-G-GGCCTCT.
Identifiers: ClinVar variation 3377809 (VCV003377809.1).

ClinVar aggregate classification (germline): Uncertain significance (1 of 4 stars; one submission).

Conditions:
Predisposition to Wilms tumor.

Submission:

St. Jude Molecular Pathology, St. Jude Children's Research Hospital
Classification: Uncertain significance for Predisposition to Wilms tumor. Last evaluated: 2024-02-06. Review status: criteria provided, single submitter. Criteria: St. Jude Assertion Criteria 2020. Collection method: clinical testing. Allele origin: germline.
Comment: The TRIM28 c.129_134dup (p.Ser45_Ala46dup) variant duplicates six nucleotides at position 129-134, resulting in an in-frame duplication of two amino acid residues. This variant has a maximum subpopulation frequency of 0.01% in gnomAD v2.1.1. This variant does not occur within a functional domain of the TRIM28 protein product and it has not been reported in individuals with a personal or family history of Wilms tumor. In summary, the evidence currently available is insufficient to determine the clinical significance of this variant. It has therefore been classified as of uncertain significance.